The following is an entry in ClinVar:

ClinVar aggregate classification (germline): Uncertain significance (1 of 4 stars; one submission).

Conditions:
MHC class II deficiency. Also called: Bare lymphocyte syndrome 2; BLS, TYPE II. Identifiers: Orphanet 572, MedGen C5447452, MONDO:0008855.

gnomAD v4.1: 29 of 1,563,040 alleles (0.0019%); highest among the groups gnomAD compares: East Asian, 0.009%; no homozygotes.

Submission:

Labcorp Genetics (formerly Invitae), Labcorp
Classification: Uncertain significance for MHC class II deficiency. Last evaluated: 2024-08-21. Review status: criteria provided, single submitter. Criteria: Invitae Variant Classification Sherloc (09022015). Collection method: clinical testing. Allele origin: germline.
Comment: This sequence change replaces glutamic acid, which is acidic and polar, with lysine, which is basic and polar, at codon 817 of the CIITA protein (p.Glu817Lys). This variant is present in population databases (rs530242901, gnomAD 0.01%). This variant has not been reported in the literature in individuals affected with CIITA-related conditions. An algorithm developed to predict the effect of missense changes on protein structure and function (PolyPhen-2) suggests that this variant is likely to be tolerated. In summary, the available evidence is currently insufficient to determine the role of this variant in disease. Therefore, it has been classified as a Variant of Uncertain Significance.

NM_000246.4(CIITA):c.2449G>A (p.Glu817Lys)

Gene: CIITA (class II major histocompatibility complex transactivator; plus strand). Cytogenetic location: 16p13.13.
Variant type: single nucleotide variant.
Coding change: c.2449G>A on transcript NM_000246.4 (MANE Select); coding-DNA position 2449, G replaced by A.
Protein change: p.Glu817Lys; replaces glutamic acid 817 with lysine.
Molecular consequence: missense variant. On other transcripts: intron variant (1).
Genome position (GRCh38, 1-based): chr16:10,907,941, G>A. VCF-style: chr16-10907941-G-A. GRCh37 (hg19) VCF-style: chr16-11001798-G-A.
Other names: c.2452G>A, p.Glu818Lys (NM_001286402.1, NM_001379332.1); c.2305G>A, p.Glu769Lys (NM_001379330.1); c.2302G>A, p.Glu768Lys (NM_001379331.1); c.2449G>A, p.Glu817Lys (NM_001379333.1); c.2380G>A, p.Glu794Lys (NM_001379334.1); c.860-1042G>A (NM_001286403.2); short protein forms E794K, E768K, E769K, E817K, E818K.
Identifiers: ClinVar variation 3707548 (VCV003707548.2).